The following is an entry in ClinVar:

NM_022552.5(DNMT3A):c.445G>A (p.Ala149Thr)

Gene: DNMT3A (DNA methyltransferase 3 alpha; minus strand). Cytogenetic location: 2p23.3.
Variant type: single nucleotide variant.
Coding change: c.445G>A on transcript NM_022552.5 (MANE Select); coding-DNA position 445, G replaced by A.
Protein change: p.Ala149Thr; replaces alanine 149 with threonine.
Molecular consequence: missense variant. On other transcripts: non-coding transcript variant (1).
Genome position (GRCh38, 1-based): chr2:25,282,444, C>T on the plus strand (G>A on the coding strand, the complement: DNMT3A is on the minus strand). VCF-style: chr2-25282444-C-T. GRCh37 (hg19) VCF-style: chr2-25505313-C-T.
Other names: c.445G>A, p.Ala149Thr (NM_001320892.2, NM_175629.2, NM_175630.1); short protein forms A149T.
Identifiers: ClinVar variation 3015414 (VCV003015414.4), dbSNP rs751918466, ClinGen allele CA1556480.

ClinVar aggregate classification (germline): Uncertain significance. Review status: criteria provided, multiple submitters, no conflicts (2 of 4 stars). 2 submissions from 2 submitters: Uncertain significance (2). Last evaluated 2026-05-27.

Conditions:
DNMT3A-related disorder. Also called: DNMT3A-related condition; DNMT3A-related disorders.
Tatton-Brown-Rahman overgrowth syndrome. Also called: Tatton-Brown-Rahman syndrome; Tall stature-intellectual disability-facial dysmorphism syndrome. Identifiers: Orphanet 404443, MedGen C4014545, MONDO:0014382, OMIM 615879.

Allele frequency attached by ClinVar (database versions not stated): gnomAD 0.00001; TOPMed 0.00001; gnomAD exomes 0.00002; ExAC 0.00007.
gnomAD v4.1: 11 of 1,612,418 alleles (0.00068%); highest among the groups gnomAD compares: Admixed American, 0.017%; no homozygotes.

Submissions (2):

PreventionGenetics, part of Exact Sciences
Classification: Uncertain significance for DNMT3A-related condition. Last evaluated: 2026-05-27. Review status: criteria provided, single submitter. Criteria: ACMG Guidelines, 2015. Collection method: clinical testing. Allele origin: germline.
Comment: The DNMT3A c.445G>A variant is predicted to result in the amino acid substitution p.Ala149Thr. To our knowledge, this variant has not been reported in the literature. This variant is reported in 0.023% of alleles in individuals of Latino descent in gnomAD. Although we suspect that this variant may be benign, at this time, the clinical significance of this variant is uncertain due to the absence of conclusive functional and genetic evidence.

Labcorp Genetics (formerly Invitae), Labcorp
Classification: Uncertain significance for Tatton-Brown-Rahman overgrowth syndrome. Last evaluated: 2023-12-15. Review status: criteria provided, single submitter. Criteria: Invitae Variant Classification Sherloc (09022015). Collection method: clinical testing. Allele origin: germline.
Comment: This sequence change replaces alanine, which is neutral and non-polar, with threonine, which is neutral and polar, at codon 149 of the DNMT3A protein (p.Ala149Thr). This variant is present in population databases (rs751918466, gnomAD 0.02%). This variant has not been reported in the literature in individuals affected with DNMT3A-related conditions. An algorithm developed to predict the effect of missense changes on protein structure and function (PolyPhen-2) suggests that this variant is likely to be tolerated. In summary, the available evidence is currently insufficient to determine the role of this variant in disease. Therefore, it has been classified as a Variant of Uncertain Significance.